The following is an entry in ClinVar:

ClinVar aggregate classification (germline): Conflicting classifications of pathogenicity. Review status: criteria provided, conflicting classifications (1 of 4 stars). 2 submissions from 2 submitters: Uncertain significance (1); Likely benign (1). Last evaluated 2024-03-16.

Conditions:
Inborn genetic diseases. Identifiers: MedGen C0950123, MeSH D030342.

Allele frequency attached by ClinVar (database versions not stated): 1000 Genomes Project 30x 0.00016; 1000 Genomes Project 0.00020.
gnomAD v4.1: 43 of 1,610,638 alleles (0.0027%); highest among the groups gnomAD compares: South Asian, 0.034%; no homozygotes.

Submissions (2):

Ambry Genetics
Classification: Likely benign for Inborn genetic diseases. Last evaluated: 2024-03-16. Review status: criteria provided, single submitter. Criteria: Ambry Variant Classification Scheme 2023. Collection method: clinical testing. Allele origin: germline.

Labcorp Genetics (formerly Invitae), Labcorp
Classification: Uncertain significance. Last evaluated: 2023-12-06. Review status: criteria provided, single submitter. Criteria: Invitae Variant Classification Sherloc (09022015). Collection method: clinical testing. Allele origin: germline.
Comment: This sequence change replaces alanine, which is neutral and non-polar, with threonine, which is neutral and polar, at codon 1948 of the TCF20 protein (p.Ala1948Thr). This variant is present in population databases (rs539500058, gnomAD 0.04%), and has an allele count higher than expected for a pathogenic variant. This variant has not been reported in the literature in individuals affected with TCF20-related conditions. ClinVar contains an entry for this variant (Variation ID: 1948741). An algorithm developed to predict the effect of missense changes on protein structure and function (PolyPhen-2) suggests that this variant is likely to be tolerated. In summary, the available evidence is currently insufficient to determine the role of this variant in disease. Therefore, it has been classified as a Variant of Uncertain Significance.

NM_001378418.1(TCF20):c.5842G>A (p.Ala1948Thr)

Gene: TCF20 (transcription factor 20; minus strand). Cytogenetic location: 22q13.2.
Variant type: single nucleotide variant.
Coding change: c.5842G>A on transcript NM_001378418.1 (MANE Select); coding-DNA position 5842, G replaced by A.
Protein change: p.Ala1948Thr; replaces alanine 1948 with threonine.
Molecular consequence: missense variant. On other transcripts: intron variant (1).
Genome position (GRCh38, 1-based): chr22:42,168,694, C>T on the plus strand (G>A on the coding strand, the complement: TCF20 is on the minus strand). VCF-style: chr22-42168694-C-T. GRCh37 (hg19) VCF-style: chr22-42564700-C-T.
Other names: c.5842G>A (NM_005650.1); c.5842G>A, p.Ala1948Thr (NM_005650.4); c.5799+1153G>A (NM_181492.3); short protein forms A1948T.
Identifiers: ClinVar variation 1948741 (VCV001948741.6), dbSNP rs539500058, ClinGen allele CA10266319.
Genomic context (GRCh38, chr22:42,168,694, plus strand): 5'-CACGAGCACACTGCCCCCCTCACCCCCGCTCCGACTGCTCTGTGCTGAGGCTGCCTTTCG[C>T]GGTCTTGTTCTGCAAGGGGGGGAGAGGGCACGGAAGGGGAGGCTGACACGGGCAAAACCA-3'
Protein context (NP_001365347.1, residues 1938-1958): CPLPPLQNKT[Ala1948Thr]KGSLSTEQSE